The following is an entry in ClinVar:

ClinVar aggregate classification (germline): Uncertain significance (1 of 4 stars; one submission).

Allele frequency attached by ClinVar (database versions not stated): gnomAD exomes below 0.00001.

Submission:

Labcorp Genetics (formerly Invitae), Labcorp
Classification: Uncertain significance. Last evaluated: 2022-11-22. Review status: criteria provided, single submitter. Criteria: Invitae Variant Classification Sherloc (09022015). Collection method: clinical testing. Allele origin: germline.
Comment: In summary, the available evidence is currently insufficient to determine the role of this variant in disease. Therefore, it has been classified as a Variant of Uncertain Significance. Advanced modeling of protein sequence and biophysical properties (such as structural, functional, and spatial information, amino acid conservation, physicochemical variation, residue mobility, and thermodynamic stability) performed at Invitae indicates that this missense variant is not expected to disrupt TBX20 protein function. This variant has not been reported in the literature in individuals affected with TBX20-related conditions. This variant is not present in population databases (gnomAD no frequency). This sequence change replaces isoleucine, which is neutral and non-polar, with valine, which is neutral and non-polar, at codon 147 of the TBX20 protein (p.Ile147Val).

NM_001077653.2(TBX20):c.439A>G (p.Ile147Val)

Gene: TBX20 (T-box transcription factor 20; minus strand). Cytogenetic location: 7p14.2.
Variant type: single nucleotide variant.
Coding change: c.439A>G on transcript NM_001077653.2 (MANE Select); coding-DNA position 439, A replaced by G.
Protein change: p.Ile147Val; replaces isoleucine 147 with valine.
Molecular consequence: missense variant.
Genome position (GRCh38, 1-based): chr7:35,248,783, T>C on the plus strand (A>G on the coding strand, the complement: TBX20 is on the minus strand). VCF-style: chr7-35248783-T-C. GRCh37 (hg19) VCF-style: chr7-35288395-T-C.
Other names: c.439A>G, p.Ile147Val (NM_001166220.1); short protein forms I147V.
Identifiers: ClinVar variation 2022387 (VCV002022387.4), dbSNP rs1790246845, ClinGen allele CA367264741.